The following is an entry in ClinVar:

NM_003640.5(ELP1):c.3609G>T (p.Lys1203Asn)

Gene: ELP1 (elongator acetyltransferase complex subunit 1; minus strand). Cytogenetic location: 9q31.3.
Variant type: single nucleotide variant.
Coding change: c.3609G>T on transcript NM_003640.5 (MANE Select); coding-DNA position 3609, G replaced by T.
Protein change: p.Lys1203Asn; replaces lysine 1203 with asparagine.
Molecular consequence: missense variant.
Genome position (GRCh38, 1-based): chr9:108,878,714, C>A on the plus strand (G>T on the coding strand, the complement: ELP1 is on the minus strand). VCF-style: chr9-108878714-C-A. GRCh37 (hg19) VCF-style: chr9-111640994-C-A.
Other names: c.3267G>T, p.Lys1089Asn (NM_001318360.2); c.2562G>T, p.Lys854Asn (NM_001330749.2); short protein forms K1203N, K854N, K1089N.
Identifiers: ClinVar variation 1521299 (VCV001521299.6), dbSNP rs2118936145, ClinGen allele CA374411421.
Genomic context (GRCh38, chr9:108,878,714, plus strand): 5'-ACTCAGTGCCTCCAGGAGGGCCAGGTCCTCCAGCGGACTGCCTTCTTTGAGGCTGTGCTT[C>A]TTCCGCTCCGCTTTTCGGCGATTCTTGGATGATCTCCTGTTAGAAATTACACAGATATTT-3'
Protein context (NP_003631.2, residues 1193-1213): SSKNRRKAER[Lys1203Asn]KHSLKEGSPL

ClinVar aggregate classification (germline): Uncertain significance (1 of 4 stars; one submission).

Submission:

Labcorp Genetics (formerly Invitae), Labcorp
Classification: Uncertain significance. Last evaluated: 2021-09-18. Review status: criteria provided, single submitter. Criteria: Invitae Variant Classification Sherloc (09022015). Collection method: clinical testing. Allele origin: germline.
Comment: This variant has not been reported in the literature in individuals affected with ELP1-related conditions. In summary, the available evidence is currently insufficient to determine the role of this variant in disease. Therefore, it has been classified as a Variant of Uncertain Significance. Algorithms developed to predict the effect of missense changes on protein structure and function (SIFT, PolyPhen-2, Align-GVGD) all suggest that this variant is likely to be disruptive. This variant is not present in population databases (ExAC no frequency). This sequence change replaces lysine with asparagine at codon 1203 of the ELP1 protein (p.Lys1203Asn). The lysine residue is highly conserved and there is a moderate physicochemical difference between lysine and asparagine.